The following is an entry in ClinVar:

ClinVar aggregate classification (germline): Likely benign (0 of 4 stars; one submission).

Conditions:
ANTXR1-related disorder. Also called: ANTXR1-related condition.

Allele frequency attached by ClinVar (database versions not stated): gnomAD exomes 0.00002; ExAC 0.00003; ESP Exome Variant Server 0.00008; gnomAD 0.00021; TOPMed 0.00021.
gnomAD v4.1: 61 of 1,614,048 alleles (0.0038%); highest among the groups gnomAD compares: African/African-American, 0.063%; no homozygotes.

Submission:

PreventionGenetics, part of Exact Sciences
Classification: Likely benign for ANTXR1-related condition. Last evaluated: 2019-08-13. Review status: no assertion criteria provided. Collection method: clinical testing. Allele origin: germline.
Comment: This variant is classified as likely benign based on ACMG/AMP sequence variant interpretation guidelines (Richards et al. 2015 PMID: 25741868, with internal and published modifications).

NM_032208.3(ANTXR1):c.552T>C (p.Asn184=)

Gene: ANTXR1 (ANTXR cell adhesion molecule 1; plus strand). Cytogenetic location: 2p13.3.
Variant type: single nucleotide variant.
Coding change: c.552T>C on transcript NM_032208.3 (MANE Select); coding-DNA position 552, T replaced by C.
Protein change: p.Asn184=; no amino-acid change (asparagine 184 retained).
Molecular consequence: synonymous variant.
Genome position (GRCh38, 1-based): chr2:69,075,649, T>C. VCF-style: chr2-69075649-T-C. GRCh37 (hg19) VCF-style: chr2-69302781-T-C.
Other names: c.552T>C, p.Asn184= (NM_001410840.1, NM_018153.3, NM_053034.2).
Identifiers: ClinVar variation 3035028 (VCV003035028.2), dbSNP rs140035765, ClinGen allele CA1692918.